The following is an entry in ClinVar:

ClinVar aggregate classification (germline): Uncertain significance (1 of 4 stars; one submission).

Submission:

GeneDx
Classification: Uncertain significance. Last evaluated: 2024-09-18. Review status: criteria provided, single submitter. Criteria: GeneDx Variant Classification Process June 2021. Collection method: clinical testing. Allele origin: germline. Affected: yes.
Comment: In silico analysis indicates that this missense variant does not alter protein structure/function; Has not been previously published as pathogenic or benign to our knowledge

NM_000216.4(ANOS1):c.1058A>T (p.Asp353Val)

Gene: ANOS1 (anosmin 1; minus strand). Cytogenetic location: Xp22.31.
Variant type: single nucleotide variant.
Coding change: c.1058A>T on transcript NM_000216.4 (MANE Select); coding-DNA position 1058, A replaced by T.
Protein change: p.Asp353Val; replaces aspartic acid 353 with valine.
Molecular consequence: missense variant.
Genome position (GRCh38, 1-based): chrX:8,570,503, T>A on the plus strand (A>T on the coding strand, the complement: ANOS1 is on the minus strand). VCF-style: chrX-8570503-T-A. GRCh37 (hg19) VCF-style: chrX-8538544-T-A.
Other names: short protein forms D353V.
Identifiers: ClinVar variation 3774624 (VCV003774624.1).